The following is an entry in ClinVar:

ClinVar aggregate classification (germline): Pathogenic. Review status: criteria provided, multiple submitters, no conflicts (2 of 4 stars). 2 submissions from 2 submitters: Pathogenic (2). Last evaluated 2017-02-22.

Conditions:
Cardiac arrhythmia. Also called: Arrhythmia; Cardiac rhythm disease. Identifiers: MedGen C0003811, MONDO:0007263, HP:0011675.
Long QT syndrome (LQTS). Identifiers: MedGen C0023976, MeSH D008133, MONDO:0002442. Disease mechanism: loss of function. Inheritance: Various modes of inheritance.

Submissions (2):

Labcorp Genetics (formerly Invitae), Labcorp
Classification: Pathogenic for Long QT syndrome. Last evaluated: 2017-02-22. Review status: criteria provided, single submitter. Criteria: Invitae Variant Classification Sherloc (09022015). Collection method: clinical testing. Allele origin: germline.
Comment: For these reasons, this variant has been classified as Pathogenic. While this particular variant has not been reported in the literature, truncating variants in KCNH2 are known to be pathogenic (PMID: 19862833). This sequence change duplicates 20 nucleotides in exon 4 of the KCNH2 mRNA (c.735_754dup20), causing a frameshift at codon 252. This creates a premature translational stop signal (p.Arg252Profs*115) and is expected to result in an absent or disrupted protein product.

GeneDx
Classification: Pathogenic for Cardiac arrhythmia. Last evaluated: 2014-02-03. Review status: criteria provided, single submitter. Criteria: GeneDx Variant Classification (06012015). Collection method: clinical testing. Allele origin: germline. Affected: yes.
Comment: c.735_754dupCGGCCAGCTCCCATCGCCCC: p.Arg252ProfsX115 (R252PfsX115) in exon 4 of the KCNH2 gene (NM_000238.2). The normal sequence with the bases that are inserted in braces is: GCCCC{CGGCCAGCTCCCATCGCCCC}GGGC. Although thec.735_754dupCGGCCAGCTCCCATCGCCCC mutation in the KCNH2 gene has not been reported to our knowledge, this mutation causes a shift in reading frame starting at codon Arginine 252, changing it to a Proline, and creating a premature stop codon at position 115 of the new reading frame, denoted p.Arg252ProfsX115. This mutation is expected to result in either an abnormal, truncated protein product or loss of protein from this allele through nonsense-mediated mRNA decay. Other frameshift mutations in the KCNH2 gene have been reported in association with LQTS. In summary, c.754_755dup20 in the KCNH2 gene is interpreted as a disease-causing mutation. The variant is found in LQT panel(s).

Literature cited by the submitters: PubMed 19862833 (cited by Labcorp Genetics (formerly Invitae), Labcorp).

NM_000238.4(KCNH2):c.735_754dup (p.Arg252fs)

Gene: KCNH2 (potassium voltage-gated channel subfamily H member 2; minus strand). Cytogenetic location: 7q36.1.
Variant type: Duplication.
Coding change: c.735_754dup on transcript NM_000238.4 (MANE Select); coding-DNA positions 735 to 754, 20 bases duplicated (CGGCCAGCTCCCATCGCCCC).
Protein change: p.Arg252fs; shifts the reading frame from arginine 252.
Molecular consequence: frameshift variant.
Genome position (GRCh38, 1-based): chr7:150,958,221-150,958,240, GGGGCGATGGGAGCTGGCCG duplicated on the plus strand (CGGCCAGCTCCCATCGCCCC on the coding strand, the reverse complement: KCNH2 is on the minus strand); duplicating any 20 consecutive bases within chr7:150,958,221-150,958,242 gives the same sequence; the c. name uses the placement nearest the transcript's 3' end. VCF-style (leftmost placement, unchanged base first): chr7-150958220-C-CGGGGCGATGGGAGCTGGCCG. GRCh37 (hg19) VCF-style: chr7-150655308-C-CGGGGCGATGGGAGCTGGCCG.
Other names: c.445_464dup, p.Arg156Profs (NM_001406753.1, NM_001406756.1); c.556_575dup, p.Arg193Profs (NM_001406755.1); c.433_452dup, p.Arg152Profs (NM_001406757.1); c.733_752dup, p.Arg252Profs (NM_172056.3); c.735_754dup20 (NM_000238.3); short protein forms R252fs.
Identifiers: ClinVar variation 200612 (VCV000200612.10), dbSNP rs794728425, ClinGen allele CA305302.
Genomic context (GRCh38, chr7:150,958,220, plus strand): 5'-GAGCGCGTCCGGGCCAGGCTGCAGCTGGAGCCCGAGGCGTCGGGGTTGAGGCTGTGCGCC[C>CGGGGCGATGGGAGCTGGCCG]GGGGCGATGGGAGCTGGCCGGGCGCGCTGCGGGGCGGAGAGCCGGGACCCACCAGCGCAC-3'